The following continues an entry in ClinVar:

NM_000142.5(FGFR3):c.742C>T (p.Arg248Cys)

Gene: FGFR3. ClinVar aggregate classification (germline): Pathogenic. Pathogenic (50).

Submissions 54 to 63 of 63:

Institute Of Reproduction And Development, Obstetrics and Gynecology Hospital, Fudan University
Classification: Pathogenic. Last evaluated: 2021-06-30. Review status: no assertion criteria provided. Collection method: research. Allele origin: germline. Affected: yes. Not counted in ClinVar's aggregate classification.

OMIM
Classification: Pathogenic for THANATOPHORIC DYSPLASIA, TYPE I. Last evaluated: 2008-09-01. Review status: no assertion criteria provided. Collection method: literature only. Allele origin: unknown. Not counted in ClinVar's aggregate classification.

OMIM
Classification: Pathogenic for MULTIPLE MYELOMA, SOMATIC. Last evaluated: 2008-09-01. Review status: no assertion criteria provided. Collection method: literature only. Allele origin: somatic. Not counted in ClinVar's aggregate classification.

OMIM
Classification: Pathogenic for SKELETAL DYSPLASIA WITH ACANTHOSIS NIGRICANS. Last evaluated: 2008-09-01. Review status: no assertion criteria provided. Collection method: literature only. Allele origin: unknown. Not counted in ClinVar's aggregate classification.

OMIM
Classification: Pathogenic for NEVUS, EPIDERMAL, SOMATIC. Last evaluated: 2008-09-01. Review status: no assertion criteria provided. Collection method: literature only. Allele origin: somatic. Not counted in ClinVar's aggregate classification.

OMIM
Classification: Pathogenic for KERATOSIS, SEBORRHEIC, SOMATIC. Last evaluated: 2008-09-01. Review status: no assertion criteria provided. Collection method: literature only. Allele origin: somatic. Not counted in ClinVar's aggregate classification.

Clinical Genetics DNA and cytogenetics Diagnostics Lab, Erasmus MC, Erasmus Medical Center
Classification: Pathogenic. Review status: no assertion criteria provided. Collection method: clinical testing. Allele origin: germline. Affected: yes. Study: VKGL Data-share Consensus. Not counted in ClinVar's aggregate classification.

GeneReviews
No classification provided. Condition: Thanatophoric dysplasia type 1. Review status: no classification provided. Collection method: literature only. Allele origin: unknown. Not counted in ClinVar's aggregate classification.

Joint Genome Diagnostic Labs from Nijmegen and Maastricht, Radboudumc and MUMC+
Classification: Pathogenic. Review status: no assertion criteria provided. Collection method: clinical testing. Allele origin: germline. Affected: yes. Study: VKGL Data-share Consensus. Not counted in ClinVar's aggregate classification.

Laboratory of Urology, Hospital Clinic de Barcelona
Classification: Pathogenic for Malignant tumor of urinary bladder. Review status: no assertion criteria provided. Collection method: research. Allele origin: somatic. Affected: yes. Not counted in ClinVar's aggregate classification.

Literature cited by the submitters: PubMed 7773297 (cited by 11 submitters); PubMed 1908846 (cited by 3 submitters); PubMed 25606676 (cited by 6 submitters); PubMed 9438390 (cited by Genomenon, Inc and Johns Hopkins Genomics, Johns Hopkins University); PubMed 31994750 (cited by Genomenon, Inc); PubMed 31218223 (cited by Genomenon, Inc); PubMed 30692697 (cited by Genomenon, Inc); PubMed 22106050 (cited by Genomenon, Inc and 3billion); PubMed 8845844 (cited by Genomenon, Inc); PubMed 9182787 (cited by Genomenon, Inc); PubMed 9677066 (cited by 4 submitters); PubMed 11241532 (cited by 3 submitters); PubMed 19752524 (cited by Genomenon, Inc); PubMed 19789973 (cited by Genomenon, Inc); PubMed 20704477 (cited by Genomenon, Inc); PubMed 22414243 (cited by Genomenon, Inc); PubMed 23551494 (cited by Genomenon, Inc); PubMed 24038754 (cited by Genomenon, Inc); PubMed 25671245 (cited by Genomenon, Inc); PubMed 21639936 (cited by Genomenon, Inc); PubMed 21253318 (cited by Genomenon, Inc); PubMed 33368972 (cited by Genomenon, Inc); PubMed 31476288 (cited by Genomenon, Inc); PubMed 24517215 (cited by Genomenon, Inc); PubMed 28254233 (cited by Genomenon, Inc); PubMed 27028100 (cited by Genomenon, Inc); PubMed 8589699 (cited by Genomenon, Inc); PubMed 9042914 (cited by Genomenon, Inc); PubMed 11181569 (cited by Genomenon, Inc); PubMed 11406607 (cited by Genomenon, Inc); PubMed 11426459 (cited by Genomenon, Inc); PubMed 18076102 (cited by Genomenon, Inc); PubMed 21204234 (cited by Genomenon, Inc); PubMed 22016144 (cited by Genomenon, Inc); PubMed 24075385 (cited by Genomenon, Inc); PubMed 25800480 (cited by Genomenon, Inc); PubMed 21536014 (cited by Genomenon, Inc); PubMed 10053006 (cited by Genomenon, Inc); PubMed 10696568 (cited by Labcorp Genetics (formerly Invitae), Labcorp and Dasa); PubMed 26740388 (cited by Victorian Clinical Genetics Services, Murdoch Childrens Research Institute); PubMed 25614871 (cited by 4 submitters); PubMed 16501574 (cited by Victorian Clinical Genetics Services, Murdoch Childrens Research Institute); PubMed 18000976 (cited by Victorian Clinical Genetics Services, Murdoch Childrens Research Institute); PubMed 24864036 (cited by Victorian Clinical Genetics Services, Murdoch Childrens Research Institute); PubMed 29593476 (cited by Women's Health and Genetics/Laboratory Corporation of America, LabCorp); PubMed 31299979 (cited by Women's Health and Genetics/Laboratory Corporation of America, LabCorp); PubMed 20420824 (cited by Johns Hopkins Genomics, Johns Hopkins University); PubMed 22045636 (cited by Johns Hopkins Genomics, Johns Hopkins University); PubMed 8640234 (cited by Johns Hopkins Genomics, Johns Hopkins University); PubMed 12833394 (cited by Illumina Laboratory Services, Illumina and OMIM); PubMed 32360156 (cited by Illumina Laboratory Services, Illumina); PubMed 33942288 (cited by Illumina Laboratory Services, Illumina); PubMed 11754059 (cited by Illumina Laboratory Services, Illumina); PubMed 19088846 (cited by Illumina Laboratory Services, Illumina); PubMed 36135330 (cited by Daryl Scott Lab, Baylor College of Medicine); PubMed 36474027 (cited by Daryl Scott Lab, Baylor College of Medicine); PubMed 8858131 (cited by OMIM); PubMed 10073901 (cited by OMIM); PubMed 16841094 (cited by OMIM); PubMed 18642369 (cited by OMIM); PubMed 11529856 (cited by OMIM); PubMed 15772091 (cited by OMIM); PubMed 20301540 (cited by GeneReviews); NCBI Bookshelf NBK1366 (cited by GeneReviews).